The following is an entry in ClinVar:

ClinVar aggregate classification (germline): Uncertain significance. Review status: criteria provided, multiple submitters, no conflicts (2 of 4 stars). 2 submissions from 2 submitters: Uncertain significance (2). Last evaluated 2026-06-17.

Conditions:
Inborn genetic diseases. Identifiers: MedGen C0950123, MeSH D030342.

Submissions (2):

Ambry Genetics
Classification: Uncertain significance for Inborn genetic diseases. Last evaluated: 2026-06-17. Review status: criteria provided, single submitter. Criteria: Ambry Variant Classification Scheme 2023. Collection method: clinical testing. Allele origin: germline.

Mayo Clinic Laboratories, Mayo Clinic
Classification: Uncertain significance. Last evaluated: 2024-01-23. Review status: criteria provided, single submitter. Criteria: ACMG Guidelines, 2015. Collection method: clinical testing. Allele origin: germline. Observed: 1 variant allele.
Comment: BP4, PM2_moderate

NM_015046.7(SETX):c.1131T>G (p.Asp377Glu)

Gene: SETX (senataxin; minus strand). Cytogenetic location: 9q34.13.
Variant type: single nucleotide variant.
Coding change: c.1131T>G on transcript NM_015046.7 (MANE Select); coding-DNA position 1131, T replaced by G.
Protein change: p.Asp377Glu; replaces aspartic acid 377 with glutamic acid.
Molecular consequence: missense variant.
Genome position (GRCh38, 1-based): chr9:132,330,467, A>C on the plus strand (T>G on the coding strand, the complement: SETX is on the minus strand). VCF-style: chr9-132330467-A-C. GRCh37 (hg19) VCF-style: chr9-135205854-A-C.
Other names: p.Asp377Glu; c.1131T>G, p.Asp377Glu (NM_001351527.2, NM_001351528.2); short protein forms D377E.
Identifiers: ClinVar variation 3379915 (VCV003379915.2).